The following is an entry in ClinVar:

NM_000836.4(GRIN2D):c.4005G>C (p.Glu1335Asp)

Gene: GRIN2D (glutamate ionotropic receptor NMDA type subunit 2D; plus strand). Cytogenetic location: 19q13.33.
Variant type: single nucleotide variant.
Coding change: c.4005G>C on transcript NM_000836.4 (MANE Select); coding-DNA position 4005, G replaced by C.
Protein change: p.Glu1335Asp; replaces glutamic acid 1335 with aspartic acid.
Molecular consequence: missense variant.
Genome position (GRCh38, 1-based): chr19:48,443,931, G>C. VCF-style: chr19-48443931-G-C. GRCh37 (hg19) VCF-style: chr19-48947188-G-C.
Other names: short protein forms E1335D.
Identifiers: ClinVar variation 2790057 (VCV002790057.3), dbSNP rs1309679887, ClinGen allele CA406679457.
Genomic context (GRCh38, chr19:48,443,931, plus strand): 5'-CCGGGGCGGGGACCTGGGCACCCGCAGGGGCTCGGCGCACTTCTCTAGCCTCGAGTCCGA[G>C]GTATGACGCGGCCCCGGGGGCCCCACCGCCCCCTTGGTCAGCGCAGGCCACGGCCCGAGG-3'
Protein context (NP_000827.2, residues 1325-1336): GSAHFSSLES[Glu1335Asp]V

ClinVar aggregate classification (germline): Uncertain significance (1 of 4 stars; one submission).

Allele frequency attached by ClinVar (database versions not stated): TOPMed below 0.00001; gnomAD exomes 0.00001.
gnomAD v4.1: 11 of 1,415,270 alleles (0.00078%); highest among the groups gnomAD compares: Non-Finnish European, 0.001%; no homozygotes.

Submission:

Labcorp Genetics (formerly Invitae), Labcorp
Classification: Uncertain significance. Last evaluated: 2023-04-11. Review status: criteria provided, single submitter. Criteria: Invitae Variant Classification Sherloc (09022015). Collection method: clinical testing. Allele origin: germline.
Comment: In summary, the available evidence is currently insufficient to determine the role of this variant in disease. Therefore, it has been classified as a Variant of Uncertain Significance. Advanced modeling of protein sequence and biophysical properties (such as structural, functional, and spatial information, amino acid conservation, physicochemical variation, residue mobility, and thermodynamic stability) performed at Invitae indicates that this missense variant is not expected to disrupt GRIN2D protein function. This variant has not been reported in the literature in individuals affected with GRIN2D-related conditions. This variant is not present in population databases (gnomAD no frequency). This sequence change replaces glutamic acid, which is acidic and polar, with aspartic acid, which is acidic and polar, at codon 1335 of the GRIN2D protein (p.Glu1335Asp).